The following is an entry in ClinVar:

ClinVar aggregate classification (germline): Likely benign (1 of 4 stars; one submission).

Conditions:
Breast-ovarian cancer, familial, susceptibility to, 3. Also called: RAD51C-Related Breast/Ovarian Cancer. Identifiers: Orphanet 145, MedGen C3150659, MONDO:0013253, OMIM 613399.

Submission:

Myriad Genetics, Inc.
Classification: Likely benign for Breast-ovarian cancer, familial, susceptibility to, 3. Last evaluated: 2025-02-19. Review status: criteria provided, single submitter. Criteria: Myriad Autosomal Dominant, Autosomal Recessive and X-Linked Classification Criteria (2023). Collection method: clinical testing. Allele origin: unknown.
Comment: This variant is considered likely benign. This variant is intronic and is not expected to impact mRNA splicing.

NM_058216.3(RAD51C):c.838-13_838-11del

Gene: RAD51C (RAD51 paralog C; plus strand). Cytogenetic location: 17q22.
Variant type: Deletion.
Coding change: c.838-13_838-11del on transcript NM_058216.3 (MANE Select); 13 bases into the intron before coding-DNA position 838 through 11 bases into the intron before coding-DNA position 838, 3 bases deleted (TTT; older notation c.838-13_838-11delTTT).
Molecular consequence: intron variant.
Genome position (GRCh38, 1-based): chr17:58,720,733-58,720,735, TTT deleted; deleting any 3 consecutive bases within chr17:58,720,732-58,720,735 gives the same sequence; the c. name uses the placement nearest the transcript's 3' end. VCF-style (leftmost placement, unchanged base first): chr17-58720731-ATTT-A. GRCh37 (hg19) VCF-style: chr17-56798092-ATTT-A.
Identifiers: ClinVar variation 3904030 (VCV003904030.1).